The following is an entry in ClinVar:

NM_000441.2(SLC26A4):c.1707+6T>C

Gene: SLC26A4 (solute carrier family 26 member 4; plus strand). Cytogenetic location: 7q22.3.
Variant type: single nucleotide variant.
Coding change: c.1707+6T>C on transcript NM_000441.2 (MANE Select); 6 bases into the intron after coding-DNA position 1707, T replaced by C.
Molecular consequence: intron variant.
Genome position (GRCh38, 1-based): chr7:107,700,181, T>C. VCF-style: chr7-107700181-T-C. GRCh37 (hg19) VCF-style: chr7-107340626-T-C.
Identifiers: ClinVar variation 179934 (VCV000179934.10), dbSNP rs727505230, ClinGen allele CA273665.
Genomic context (GRCh38, chr7:107,700,181, plus strand): 5'-CAGTCCTATTTTCTATGGCAATGTCGATGGTTTTAAAAAATGTATCAAGTCCACAGTAAG[T>C]ATTTTATCCCTAGAAATTTGTTTTCTAACCTCTTTTGAGACTTCATTCATTCTACAAGTA-3'

ClinVar aggregate classification (germline): Conflicting classifications of pathogenicity. Review status: criteria provided, conflicting classifications (1 of 4 stars). 2 submissions from 2 submitters: Likely pathogenic (1); Uncertain significance (1). Last evaluated 2022-01-27.

Conditions:
Rare genetic deafness. Identifiers: Orphanet 96210, MedGen C5680250.

Submissions (2):

Labcorp Genetics (formerly Invitae), Labcorp
Classification: Uncertain significance. Last evaluated: 2022-01-27. Review status: criteria provided, single submitter. Criteria: Invitae Variant Classification Sherloc (09022015). Collection method: clinical testing. Allele origin: germline.
Comment: This sequence change falls in intron 15 of the SLC26A4 gene. It does not directly change the encoded amino acid sequence of the SLC26A4 protein. It affects a nucleotide within the consensus splice site. This variant is not present in population databases (gnomAD no frequency). This variant has been observed in individual(s) with deafness (Invitae). In at least one individual the data is consistent with being in trans (on the opposite chromosome) from a pathogenic variant. ClinVar contains an entry for this variant (Variation ID: 179934). Variants that disrupt the consensus splice site are a relatively common cause of aberrant splicing (PMID: 17576681, 9536098). Algorithms developed to predict the effect of sequence changes on RNA splicing suggest that this variant may disrupt the consensus splice site. In summary, the available evidence is currently insufficient to determine the role of this variant in disease. Therefore, it has been classified as a Variant of Uncertain Significance.

Laboratory for Molecular Medicine, Mass General Brigham Personalized Medicine
Classification: Likely pathogenic for Rare genetic deafness. Last evaluated: 2014-11-05. Review status: criteria provided, single submitter. Criteria: LMM Criteria. Collection method: clinical testing. Allele origin: germline. Inheritance: Autosomal recessive inheritance. Observed: 1 variant allele.
Comment: This variant is located in the 5' splice region. Computat ional tools do not suggest an impact to splicing, though this information is not predictive enough to rule out pathogenicity. In summary, although additional studies are required to fully establi sh its clinical significance, the c.1707+6T>C variant is likely pathogenic.

Literature cited by the submitters: PubMed 17576681 (cited by Labcorp Genetics (formerly Invitae), Labcorp); PubMed 9536098 (cited by Labcorp Genetics (formerly Invitae), Labcorp).